The following is an entry in ClinVar:

NM_001367873.1(SOX6):c.1851C>G (p.Ser617Arg)

Gene: SOX6 (SRY-box transcription factor 6; minus strand). Cytogenetic location: 11p15.2.
Variant type: single nucleotide variant.
Coding change: c.1851C>G on transcript NM_001367873.1 (MANE Select); coding-DNA position 1851, C replaced by G.
Protein change: p.Ser617Arg; replaces serine 617 with arginine.
Molecular consequence: missense variant.
Genome position (GRCh38, 1-based): chr11:15,989,112, G>C on the plus strand (C>G on the coding strand, the complement: SOX6 is on the minus strand). VCF-style: chr11-15989112-G-C. GRCh37 (hg19) VCF-style: chr11-16010658-G-C.
Other names: c.1770C>G, p.Ser590Arg (NM_001145811.2, NM_017508.3); c.1851C>G, p.Ser617Arg (NM_001145819.2); c.1728C>G, p.Ser576Arg (NM_001367872.1); c.1791C>G, p.Ser597Arg (NM_033326.3); short protein forms S576R, S597R, S617R, S590R.
Identifiers: ClinVar variation 5007820 (VCV005007820.2).
Genomic context (GRCh38, chr11:15,989,112, plus strand): 5'-TCTCCTCTCATCCTTTGCCCAAACCATGAATGCATTCATTGGTCGCTTAATGTGTGGCTC[G>C]CTGCTGGCACGGCCGCGGGCGTCCCTGTAGACTCGTGCTTCAGCCACAGTGGCACCTCCT-3'
Protein context (NP_001354802.1, residues 607-627): VYRDARGRAS[Ser617Arg]EPHIKRPMNA

ClinVar aggregate classification (germline): Uncertain significance (1 of 4 stars; one submission).

Conditions:
Tolchin-Le Caignec syndrome. Also called: INTELLECTUAL DEVELOPMENTAL DISORDER WITH BEHAVIORAL ABNORMALITIES AND VARIABLE BONE DEFECTS. Identifiers: MedGen C5436509, MONDO:0033544, OMIM 618971.

Submission:

Juno Genomics, Hangzhou Juno Genomics, Inc
Classification: Uncertain significance for Tolchin-Le Caignec syndrome. Review status: criteria provided, single submitter. Criteria: ACMG Guidelines, 2015. Collection method: clinical testing. Allele origin: germline.
Comment: Absent from controls (or at extremely low frequency if recessive) in Genome Aggregation Database.;Missense variant in a gene that has a low rate of benign missense variation.